The following is an entry in ClinVar:

NM_001270447.2(ACADVL):c.66A>C (p.Ala22=)

Genes: ACADVL (acyl-CoA dehydrogenase very long chain; plus strand), DLG4 (discs large MAGUK scaffold protein 4; minus strand). Cytogenetic location: 17p13.1.
Variant type: single nucleotide variant.
Coding change: c.66A>C on transcript NM_001270447.2; coding-DNA position 66, A replaced by C.
Protein change: p.Ala22=; no amino-acid change (alanine 22 retained).
Molecular consequence: synonymous variant. On other transcripts: intron variant (2).
Genome position (GRCh38, 1-based): chr17:7,217,753, A>C. VCF-style: chr17-7217753-A-C. GRCh37 (hg19) VCF-style: chr17-7121072-A-C.
Other names: c.159+488T>G (NM_001321074.1, NM_001365.5).
Identifiers: ClinVar variation 4873830 (VCV004873830.2).
Genomic context (GRCh38, chr17:7,217,753, plus strand): 5'-GTTAACTCCTTCTGTGCTGGCAGGAACCCGGATAATGGGAAAGGAGATAGAAGCAGAAGC[A>C]CAGAGGCCCCTGAGGCAAACATGGAGACCTGGCCAGCCACCAGCGATGACAGCAAAGACG-3'

ClinVar aggregate classification (germline): Likely benign (1 of 4 stars; one submission).

gnomAD v4.1: 1 of 1,535,354 alleles (0.000065%); highest among the groups gnomAD compares: Admixed American, 0.002%; no homozygotes.

Submission:

CeGaT Center for Human Genetics Tuebingen
Classification: Likely benign. Last evaluated: 2026-06-01. Review status: criteria provided, single submitter. Criteria: CeGaT Center For Human Genetics Tuebingen Variant Classification Criteria Version 2. Collection method: clinical testing. Allele origin: germline. Affected: yes. Observed: 1 variant allele.
Comment: ACADVL: BP4, BP7